The following is an entry in ClinVar:

ClinVar aggregate classification (germline): Conflicting classifications of pathogenicity. Review status: criteria provided, conflicting classifications (1 of 4 stars). 5 submissions from 5 submitters: Pathogenic (1); Likely pathogenic (3); Uncertain significance (1). Last evaluated 2024-12-04.

Conditions:
SGCB-related disorder. Also called: SGCB-related condition.
Autosomal recessive limb-girdle muscular dystrophy type 2E (LGMDR4). Also called: MUSCULAR DYSTROPHY, LIMB-GIRDLE, AUTOSOMAL RECESSIVE 4. Identifiers: Orphanet 119, MedGen C1858593, MONDO:0011423, OMIM 604286. Disease mechanism: Affects gamma-sarcoglycan and also disrupts the integrity of the entire sarcoglycan complex..

Submissions (5):

PreventionGenetics, part of Exact Sciences
Classification: Likely pathogenic for SGCB-related condition. Last evaluated: 2024-12-04. Review status: criteria provided, single submitter. Criteria: ACMG Guidelines, 2015. Collection method: clinical testing. Allele origin: germline.
Comment: The SGCB c.-12_8dup20 variant is predicted to result in a frameshift and premature protein termination (p.Ala4Glyfs*22). To our knowledge, this variant has not been reported in the literature or in a large population database (gnomAD), indicating this variant is rare. A similar duplication has been reported, in the homozygous state, in several patients with features of beta-sarcoglycanopthy (c.-22_10dup, Boito et al. 2003. PubMed ID: 12746421, Semplicini et al. 2015. PubMed ID: 25862795). Frameshift variants in SGCB are expected to be pathogenic. This variant is interpreted as likely pathogenic.

Revvity Omics, Revvity
Classification: Uncertain significance for Autosomal recessive limb-girdle muscular dystrophy type 2E. Last evaluated: 2024-02-23. Review status: criteria provided, single submitter. Criteria: ACMG Guidelines, 2015. Collection method: clinical testing. Allele origin: germline.

Baylor Genetics
Classification: Likely pathogenic for Autosomal recessive limb-girdle muscular dystrophy type 2E. Last evaluated: 2024-01-23. Review status: criteria provided, single submitter. Criteria: ACMG Guidelines, 2015. Collection method: clinical testing. Allele origin: unknown.

Labcorp Genetics (formerly Invitae), Labcorp
Classification: Pathogenic for Autosomal recessive limb-girdle muscular dystrophy type 2E. Last evaluated: 2024-01-12. Review status: criteria provided, single submitter. Criteria: Invitae Variant Classification Sherloc (09022015). Collection method: clinical testing. Allele origin: germline.
Comment: This sequence change creates a premature translational stop signal (p.Ala4Glyfs*22) in the SGCB gene. It is expected to result in an absent or disrupted protein product. Loss-of-function variants in SGCB are known to be pathogenic (PMID: 15938573, 18285821). This variant is not present in population databases (gnomAD no frequency). This variant has not been reported in the literature in individuals affected with SGCB-related conditions. ClinVar contains an entry for this variant (Variation ID: 841552). For these reasons, this variant has been classified as Pathogenic.

Fulgent Genetics
Classification: Likely pathogenic for Autosomal recessive limb-girdle muscular dystrophy type 2E. Last evaluated: 2021-10-19. Review status: criteria provided, single submitter. Criteria: ACMG Guidelines, 2015. Collection method: clinical testing. Allele origin: unknown.

Literature cited by the submitters: PubMed 15938573 (cited by Labcorp Genetics (formerly Invitae), Labcorp); PubMed 18285821 (cited by Labcorp Genetics (formerly Invitae), Labcorp).

NM_000232.5(SGCB):c.-12_8dup (p.Ala4fs)

Genes: SGCB (sarcoglycan beta; minus strand), LOC129992585 (ATAC-STARR-seq lymphoblastoid silent region 15421; plus strand). Cytogenetic location: 4q12.
Variant type: Duplication.
Coding change: c.-12_8dup on transcript NM_000232.5 (MANE Select); 12 bases upstream of the start codon through coding-DNA position 8, 20 bases duplicated (GGGCGCGGGAAGATGGCGGC).
Protein change: p.Ala4fs; shifts the reading frame from alanine 4.
Molecular consequence: frameshift variant, initiator codon variant.
Genome position (GRCh38, 1-based): chr4:52,038,252-52,038,271, GCCGCCATCTTCCCGCGCCC duplicated on the plus strand (GGGCGCGGGAAGATGGCGGC on the coding strand, the reverse complement: SGCB is on the minus strand); duplicating any 20 consecutive bases within chr4:52,038,252-52,038,277 gives the same sequence; the c. name uses the placement nearest the transcript's 3' end. VCF-style (leftmost placement, unchanged base first): chr4-52038251-T-TGCCGCCATCTTCCCGCGCCC. GRCh37 (hg19) VCF-style: chr4-52904417-T-TGCCGCCATCTTCCCGCGCCC.
Other names: c.-12_8dup20 (NM_000232.4); short protein forms A4fs.
Identifiers: ClinVar variation 841552 (VCV000841552.14), dbSNP rs1207685911, ClinGen allele CA796086297.